The following is an entry in ClinVar:

NM_182760.4(SUMF1):c.244G>A (p.Gly82Arg)

Genes: SUMF1 (sulfatase modifying factor 1; minus strand), LOC129936056 (ATAC-STARR-seq lymphoblastoid silent region 14016; plus strand). Cytogenetic location: 3p26.1.
Variant type: single nucleotide variant.
Coding change: c.244G>A on transcript NM_182760.4 (MANE Select); coding-DNA position 244, G replaced by A.
Protein change: p.Gly82Arg; replaces glycine 82 with arginine.
Molecular consequence: missense variant.
Genome position (GRCh38, 1-based): chr3:4,467,002, C>T on the plus strand (G>A on the coding strand, the complement: SUMF1 is on the minus strand). VCF-style: chr3-4467002-C-T. GRCh37 (hg19) VCF-style: chr3-4508686-C-T.
Other names: c.244G>A, p.Gly82Arg (NM_001164674.2, NM_001164675.2); short protein forms G82R.
Identifiers: ClinVar variation 3172094 (VCV003172094.3), dbSNP rs986500427, ClinGen allele CA69311553.
Genomic context (GRCh38, chr3:4,467,002, plus strand): 5'-GCCCCCACCCGCCTCGGAGGAATCGATGGAGCACCTTTGAGTGCGCGAGTTGCCGCTCTC[C>T]GGGTACGGGGCCCGGAGCGTTAGCCTCCCGCGAGTATCGGTGAGCGGCTGCCGAACTGCC-3'
Protein context (NP_877437.2, residues 72-92): REANAPGPVP[Gly82Arg]ERQLAHSKMV

ClinVar aggregate classification (germline): Uncertain significance. Review status: criteria provided, multiple submitters, no conflicts (2 of 4 stars). 2 submissions from 2 submitters: Uncertain significance (2). Last evaluated 2024-09-04.

Conditions:
Multiple sulfatase deficiency (MSD). Also called: Mucosulfatidosis; Multiple Sulfatase Deficiency Disease; Sulfatidosis, Juvenile, Austin Type. Identifiers: Orphanet 585, MedGen C0268263, MONDO:0010088, OMIM 272200.
Inborn genetic diseases. Identifiers: MedGen C0950123, MeSH D030342.

Allele frequency attached by ClinVar (database versions not stated): gnomAD exomes below 0.00001; TOPMed 0.00002.
gnomAD v4.1: 3 of 1,598,448 alleles (0.00019%); highest among the groups gnomAD compares: South Asian, 0.0011%; no homozygotes.

Submissions (2):

Labcorp Genetics (formerly Invitae), Labcorp
Classification: Uncertain significance for Multiple sulfatase deficiency. Last evaluated: 2024-09-04. Review status: criteria provided, single submitter. Criteria: Invitae Variant Classification Sherloc (09022015). Collection method: clinical testing. Allele origin: germline.
Comment: This sequence change replaces glycine, which is neutral and non-polar, with arginine, which is basic and polar, at codon 82 of the SUMF1 protein (p.Gly82Arg). The frequency data for this variant in the population databases is considered unreliable, as metrics indicate poor data quality at this position in the gnomAD database. This variant has not been reported in the literature in individuals affected with SUMF1-related conditions. Invitae Evidence Modeling of protein sequence and biophysical properties (such as structural, functional, and spatial information, amino acid conservation, physicochemical variation, residue mobility, and thermodynamic stability) has been performed for this missense variant. However, the output from this modeling did not meet the statistical confidence thresholds required to predict the impact of this variant on SUMF1 protein function. In summary, the available evidence is currently insufficient to determine the role of this variant in disease. Therefore, it has been classified as a Variant of Uncertain Significance.

Ambry Genetics
Classification: Uncertain significance for Inborn genetic diseases. Last evaluated: 2024-02-06. Review status: criteria provided, single submitter. Criteria: Ambry Variant Classification Scheme 2023. Collection method: clinical testing. Allele origin: germline.